The following is an entry in ClinVar:

ClinVar aggregate classification (germline): Uncertain significance (1 of 4 stars; one submission).

Submission:

GeneDx
Classification: Uncertain significance. Last evaluated: 2023-11-30. Review status: criteria provided, single submitter. Criteria: GeneDx Variant Classification Process June 2021. Collection method: clinical testing. Allele origin: germline. Affected: yes.
Comment: Not observed at significant frequency in large population cohorts (gnomAD); In silico analysis supports that this missense variant has a deleterious effect on protein structure/function; Has not been previously published as pathogenic or benign to our knowledge; Occurs in the triple helical domain at the Y position in the canonical Gly-X-Y repeat; although this variant may have an effect on normal protein folding and function, missense substitution at the Y position is not a common mechanism of disease

NM_001845.6(COL4A1):c.1989A>C (p.Gln663His)

Gene: COL4A1 (collagen type IV alpha 1 chain; minus strand). Cytogenetic location: 13q34.
Variant type: single nucleotide variant.
Coding change: c.1989A>C on transcript NM_001845.6 (MANE Select); coding-DNA position 1989, A replaced by C.
Protein change: p.Gln663His; replaces glutamine 663 with histidine.
Molecular consequence: missense variant.
Genome position (GRCh38, 1-based): chr13:110,183,185, T>G on the plus strand (A>C on the coding strand, the complement: COL4A1 is on the minus strand). VCF-style: chr13-110183185-T-G. GRCh37 (hg19) VCF-style: chr13-110835532-T-G.
Other names: short protein forms Q663H.
Identifiers: ClinVar variation 3365071 (VCV003365071.1).